The following is an entry in ClinVar:

NM_000548.5(TSC2):c.4327G>A (p.Gly1443Ser)

Gene: TSC2 (TSC complex subunit 2; plus strand). Cytogenetic location: 16p13.3.
Variant type: single nucleotide variant.
Coding change: c.4327G>A on transcript NM_000548.5 (MANE Select); coding-DNA position 4327, G replaced by A.
Protein change: p.Gly1443Ser; replaces glycine 1443 with serine.
Molecular consequence: missense variant.
Genome position (GRCh38, 1-based): chr16:2,084,549, G>A. VCF-style: chr16-2084549-G-A. GRCh37 (hg19) VCF-style: chr16-2134550-G-A.
Other names: c.4126G>A, p.Gly1376Ser (NM_001077183.3); c.4258G>A, p.Gly1420Ser (NM_001114382.3); c.4018G>A, p.Gly1340Ser (NM_001318827.2); c.3982G>A, p.Gly1328Ser (NM_001318829.2); c.3595G>A, p.Gly1199Ser (NM_001318831.2); c.4159G>A, p.Gly1387Ser (NM_001318832.2); c.4129G>A, p.Gly1377Ser (NM_001363528.2); c.4195G>A, p.Gly1399Ser (NM_001370404.1); and 2 more; short protein forms G1387S, G1400S, G1443S, G1199S, G1376S, G1377S, G1328S, G1340S.
Identifiers: ClinVar variation 1365523 (VCV001365523.6), dbSNP rs1231519628, ClinGen allele CA394301372.

ClinVar aggregate classification (germline): Uncertain significance. Review status: criteria provided, multiple submitters, no conflicts (2 of 4 stars). 3 submissions from 3 submitters: Uncertain significance (3). Last evaluated 2026-01-13.

Conditions:
Hereditary cancer-predisposing syndrome. Also called: Hereditary neoplastic syndrome; Tumor predisposition; Neoplastic Syndromes, Hereditary; Hereditary Cancer Syndrome. Identifiers: Orphanet 140162, MedGen C0027672, MeSH D009386, MONDO:0015356.
Tuberous sclerosis 2 (TSC2). Identifiers: Orphanet 805, MedGen C1860707, MONDO:0013199, OMIM 613254.

Submissions (3):

Ambry Genetics
Classification: Uncertain significance for Hereditary cancer-predisposing syndrome. Last evaluated: 2026-01-13. Review status: criteria provided, single submitter. Criteria: Ambry Variant Classification Scheme 2023. Collection method: clinical testing. Allele origin: germline.
Comment: The p.G1443S variant (also known as c.4327G>A), located in coding exon 33 of the TSC2 gene, results from a G to A substitution at nucleotide position 4327. The glycine at codon 1443 is replaced by serine, an amino acid with similar properties. This amino acid position is not well conserved in available vertebrate species. In addition, the in silico prediction for this alteration is inconclusive. Based on the available evidence, the clinical significance of this variant remains unclear.

GeneDx
Classification: Uncertain significance. Last evaluated: 2025-01-03. Review status: criteria provided, single submitter. Criteria: GeneDx Variant Classification Process June 2021. Collection method: clinical testing. Allele origin: germline. Affected: yes.
Comment: Identified in an individual with tuberous sclerosis complex who also harbors a variant in the TSC1 gene (PMID: 32917966); In silico analysis indicates that this missense variant does not alter protein structure/function; Not observed at significant frequency in large population cohorts (gnomAD); This variant is associated with the following publications: (PMID: 32917966)

Labcorp Genetics (formerly Invitae), Labcorp
Classification: Uncertain significance for Tuberous sclerosis 2. Last evaluated: 2023-10-13. Review status: criteria provided, single submitter. Criteria: Invitae Variant Classification Sherloc (09022015). Collection method: clinical testing. Allele origin: germline.
Comment: This sequence change replaces glycine, which is neutral and non-polar, with serine, which is neutral and polar, at codon 1443 of the TSC2 protein (p.Gly1443Ser). This variant is not present in population databases (gnomAD no frequency). This variant has not been reported in the literature in individuals affected with TSC2-related conditions. ClinVar contains an entry for this variant (Variation ID: 1365523). Advanced modeling of protein sequence and biophysical properties (such as structural, functional, and spatial information, amino acid conservation, physicochemical variation, residue mobility, and thermodynamic stability) performed at Invitae indicates that this missense variant is not expected to disrupt TSC2 protein function. In summary, the available evidence is currently insufficient to determine the role of this variant in disease. Therefore, it has been classified as a Variant of Uncertain Significance.

Literature cited by the submitters: PubMed 32917966 (cited by Ambry Genetics).